The following is an entry in ClinVar:

ClinVar aggregate classification (germline): Uncertain significance (1 of 4 stars; one submission).

gnomAD v4.1: 21 of 1,614,046 alleles (0.0013%); highest among the groups gnomAD compares: Non-Finnish European, 0.0015%; no homozygotes.

Submission:

Mayo Clinic Laboratories, Mayo Clinic
Classification: Uncertain significance. Last evaluated: 2023-12-21. Review status: criteria provided, single submitter. Criteria: ACMG Guidelines, 2015. Collection method: clinical testing. Allele origin: germline. Observed: 1 variant allele.
Comment: PM2

NM_000092.5(COL4A4):c.3890C>T (p.Pro1297Leu)

Gene: COL4A4 (collagen type IV alpha 4 chain; minus strand). Cytogenetic location: 2q36.3.
Variant type: single nucleotide variant.
Coding change: c.3890C>T on transcript NM_000092.5 (MANE Select); coding-DNA position 3890, C replaced by T.
Protein change: p.Pro1297Leu; replaces proline 1297 with leucine.
Molecular consequence: missense variant.
Genome position (GRCh38, 1-based): chr2:227,030,526, G>A on the plus strand (C>T on the coding strand, the complement: COL4A4 is on the minus strand). VCF-style: chr2-227030526-G-A. GRCh37 (hg19) VCF-style: chr2-227895242-G-A.
Other names: p.Pro1297Leu; short protein forms P1297L.
Identifiers: ClinVar variation 3379436 (VCV003379436.1).